The following is an entry in ClinVar:

ClinVar aggregate classification (germline): Uncertain significance (1 of 4 stars; one submission).

Conditions:
Inborn genetic diseases. Identifiers: MedGen C0950123, MeSH D030342.

Submission:

Ambry Genetics
Classification: Uncertain significance for Inborn genetic diseases. Last evaluated: 2026-05-03. Review status: criteria provided, single submitter. Criteria: Ambry Variant Classification Scheme 2023. Collection method: clinical testing. Allele origin: germline.
Comment: The p.E45Q variant (also known as c.133G>C), located in coding exon 2 of the FANCA gene, results from a G to C substitution at nucleotide position 133. The glutamic acid at codon 45 is replaced by glutamine, an amino acid with highly similar properties. This amino acid position is conserved. In addition, this alteration is predicted to be tolerated by in silico analysis. Based on the available evidence, the clinical significance of this variant remains unclear.

NM_000135.4(FANCA):c.133G>C (p.Glu45Gln)

Gene: FANCA (FA complementation group A; minus strand). Cytogenetic location: 16q24.3.
Variant type: single nucleotide variant.
Coding change: c.133G>C on transcript NM_000135.4 (MANE Select); coding-DNA position 133, G replaced by C.
Protein change: p.Glu45Gln; replaces glutamic acid 45 with glutamine.
Molecular consequence: missense variant.
Genome position (GRCh38, 1-based): chr16:89,815,933, C>G on the plus strand (G>C on the coding strand, the complement: FANCA is on the minus strand). VCF-style: chr16-89815933-C-G. GRCh37 (hg19) VCF-style: chr16-89882341-C-G.
Other names: c.133G>C, p.Glu45Gln (NM_001018112.3, NM_001286167.3, NM_001351830.2); short protein forms E45Q.
Identifiers: ClinVar variation 4870860 (VCV004870860.1).
Genomic context (GRCh38, chr16:89,815,933, plus strand): 5'-TTACCTCAAGCAAAAGGGCATTCAGGTCCTGATGGCTTCGCAGGAGGCGCACAGCTGATT[C>G]CTTTAATTTCTGTGCCCTTTCAGGATTATATTTTTCCCTCTTGACCCTTCCCGCTACGGA-3'
Protein context (NP_000126.2, residues 35-55): YNPERAQKLK[Glu45Gln]SAVRLLRSHQ